The following is an entry in ClinVar:

NM_002700.3(POU4F3):c.538G>T (p.Val180Leu)

Genes: POU4F3 (POU class 4 homeobox 3; plus strand), LOC127814297 (RBM27-POU4F3; plus strand). Cytogenetic location: 5q32.
Variant type: single nucleotide variant.
Coding change: c.538G>T on transcript NM_002700.3 (MANE Select); coding-DNA position 538, G replaced by T.
Protein change: p.Val180Leu; replaces valine 180 with leucine.
Molecular consequence: missense variant.
Genome position (GRCh38, 1-based): chr5:146,339,965, G>T. VCF-style: chr5-146339965-G-T. GRCh37 (hg19) VCF-style: chr5-145719528-G-T.
Other names: short protein forms V180L.
Identifiers: ClinVar variation 1315464 (VCV001315464.2), dbSNP rs1273621197, ClinGen allele CA361621036.

ClinVar aggregate classification (germline): Uncertain significance (1 of 4 stars; one submission).

Allele frequency attached by ClinVar (database versions not stated): gnomAD exomes below 0.00001; TOPMed 0.00001; gnomAD 0.00003.

Submission:

GeneDx
Classification: Uncertain significance. Last evaluated: 2020-08-14. Review status: criteria provided, single submitter. Criteria: GeneDx Variant Classification Process June 2021. Collection method: clinical testing. Allele origin: germline. Affected: yes.
Comment: In silico analysis supports that this missense variant does not alter protein structure/function; Has not been previously published as pathogenic or benign to our knowledge